The following is an entry in ClinVar:

NM_003906.5(MCM3AP):c.2405G>A (p.Ser802Asn)

Gene: MCM3AP (minichromosome maintenance complex component 3 associated protein; minus strand). Cytogenetic location: 21q22.3.
Variant type: single nucleotide variant.
Coding change: c.2405G>A on transcript NM_003906.5 (MANE Select); coding-DNA position 2405, G replaced by A.
Protein change: p.Ser802Asn; replaces serine 802 with asparagine.
Molecular consequence: missense variant.
Genome position (GRCh38, 1-based): chr21:46,272,621, C>T on the plus strand (G>A on the coding strand, the complement: MCM3AP is on the minus strand). VCF-style: chr21-46272621-C-T. GRCh37 (hg19) VCF-style: chr21-47692535-C-T.
Other names: short protein forms S802N.
Identifiers: ClinVar variation 5008704 (VCV005008704.1).

ClinVar aggregate classification (germline): Uncertain significance (1 of 4 stars; one submission).

Submission:

GeneDx
Classification: Uncertain significance. Last evaluated: 2026-03-11. Review status: criteria provided, single submitter. Criteria: GeneDx Variant Classification Process June 2021. Collection method: clinical testing. Allele origin: germline.
Comment: Not observed at significant frequency in large population cohorts (gnomAD); In silico analysis suggests that this missense variant does not alter protein structure/function; Has not been previously published as pathogenic or benign to our knowledge